The following is an entry in ClinVar:

ClinVar aggregate classification (germline): Uncertain significance (1 of 4 stars; one submission).

Allele frequency attached by ClinVar (database versions not stated): gnomAD exomes below 0.00001; ExAC 0.00001.

Submission:

Labcorp Genetics (formerly Invitae), Labcorp
Classification: Uncertain significance. Last evaluated: 2020-05-05. Review status: criteria provided, single submitter. Criteria: Invitae Variant Classification Sherloc (09022015). Collection method: clinical testing. Allele origin: germline.
Comment: In summary, the available evidence is currently insufficient to determine the role of this variant in disease. Therefore, it has been classified as a Variant of Uncertain Significance. Algorithms developed to predict the effect of missense changes on protein structure and function output the following: SIFT: "Tolerated"; PolyPhen-2: "Benign"; Align-GVGD: "Class C0". The proline amino acid residue is found in multiple mammalian species, suggesting that this missense change does not adversely affect protein function. These predictions have not been confirmed by published functional studies and their clinical significance is uncertain. This variant has not been reported in the literature in individuals with C8orf37-related conditions. This variant is present in population databases (rs759908394, ExAC 0.01%). This sequence change replaces arginine with proline at codon 24 of the C8orf37 protein (p.Arg24Pro). The arginine residue is weakly conserved and there is a moderate physicochemical difference between arginine and proline.

NM_177965.4(CFAP418):c.71G>C (p.Arg24Pro)

Genes: CFAP418-AS1 (CFAP418 antisense RNA 1; plus strand), CFAP418 (cilia and flagella associated protein 418; minus strand), LOC130000784 (ATAC-STARR-seq lymphoblastoid active region 27655; plus strand). Cytogenetic location: 8q22.1.
Variant type: single nucleotide variant.
Coding change: c.71G>C on transcript NM_177965.4 (MANE Select); coding-DNA position 71, G replaced by C.
Protein change: p.Arg24Pro; replaces arginine 24 with proline.
Molecular consequence: missense variant.
Genome position (GRCh38, 1-based): chr8:95,269,119, C>G on the plus strand (G>C on the coding strand, the complement: CFAP418 is on the minus strand). VCF-style: chr8-95269119-C-G. GRCh37 (hg19) VCF-style: chr8-96281347-C-G.
Other names: c.71G>C, p.Arg24Pro (NM_001363260.1); short protein forms R24P.
Identifiers: ClinVar variation 1059198 (VCV001059198.9), dbSNP rs759908394, ClinGen allele CA4815284.